The following is an entry in ClinVar:

NM_000020.3(ACVRL1):c.*1042C>T

Gene: ACVRL1 (activin A receptor like type 1; plus strand). Cytogenetic location: 12q13.13.
Variant type: single nucleotide variant.
Coding change: c.*1042C>T on transcript NM_000020.3 (MANE Select); 1042 bases downstream of the stop codon, C replaced by T.
Molecular consequence: 3 prime UTR variant.
Genome position (GRCh38, 1-based): chr12:51,921,935, C>T. VCF-style: chr12-51921935-C-T. GRCh37 (hg19) VCF-style: chr12-52315719-C-T.
Other names: c.*1042C>T (NM_001077401.2).
Identifiers: ClinVar variation 309466 (VCV000309466.6), dbSNP rs56683171, ClinGen allele CA10641814.
Genomic context (GRCh38, chr12:51,921,935, plus strand): 5'-GGCACATGCCACCATGCCTGGCTAATTTTGTATATTTAGTAGAAACAGGGTTTCACCATG[C>T]TGGCCATGCTGGTCTCGAACTCCTGACCTCAGGTGTTCCACCTACCTCAGCCTCCCAAAG-3'

ClinVar aggregate classification (germline): Benign. Review status: criteria provided, multiple submitters, no conflicts (2 of 4 stars). 2 submissions from 2 submitters: Benign (2). Last evaluated 2018-01-13.

Conditions:
Telangiectasia, hereditary hemorrhagic, type 2 (HHT2). Also called: ACVRL1-Related Hereditary Hemorrhagic Telangiectasia; Telangiectasia, hereditary hemorrhagic, type II. Identifiers: Orphanet 774, MedGen C1838163, MONDO:0010880, OMIM 600376. Disease mechanism: loss of function.

Allele frequency attached by ClinVar (database versions not stated): 1000 Genomes Project 30x 0.12211; 1000 Genomes Project 0.12240; TOPMed 0.13259.

Submissions (2):

Illumina Laboratory Services, Illumina
Classification: Benign for Telangiectasia, hereditary hemorrhagic, type 2. Last evaluated: 2018-01-13. Review status: criteria provided, single submitter. Criteria: ICSL Variant Classification Criteria 13 December 2019. Collection method: clinical testing. Allele origin: germline.
Comment: This variant was observed in the ICSL laboratory as part of a predisposition screen in an ostensibly healthy population. It had not been previously curated by ICSL or reported in the Human Gene Mutation Database (HGMD: prior to June 1st, 2018), and was therefore a candidate for classification through an automated scoring system. Utilizing variant allele frequency, disease prevalence and penetrance estimates, and inheritance mode, an automated score was calculated to assess if this variant is too frequent to cause the disease. Based on the score and internal cut-off values, a variant classified as benign is not then subjected to further curation. The score for this variant resulted in a classification of benign for this disease.

Breakthrough Genomics
Classification: Benign. Review status: criteria provided, single submitter. Criteria: ACMG Guidelines, 2015. Collection method: not provided. Allele origin: germline. Inheritance: Autosomal dominant inheritance. Affected: yes.